The following is an entry in ClinVar:

NM_000321.3(RB1):c.2286G>C (p.Gln762His)

Gene: RB1 (RB transcriptional corepressor 1; plus strand). Cytogenetic location: 13q14.2.
Variant type: single nucleotide variant.
Coding change: c.2286G>C on transcript NM_000321.3 (MANE Select); coding-DNA position 2286, G replaced by C.
Protein change: p.Gln762His; replaces glutamine 762 with histidine.
Molecular consequence: missense variant.
Genome position (GRCh38, 1-based): chr13:48,465,072, G>C. VCF-style: chr13-48465072-G-C. GRCh37 (hg19) VCF-style: chr13-49039208-G-C.
Other names: c.2286G>C, p.Gln762His (NM_001407165.1); short protein forms Q762H.
Identifiers: ClinVar variation 3430907 (VCV003430907.1).

ClinVar aggregate classification (germline): Uncertain significance (1 of 4 stars; one submission).

Conditions:
Hereditary cancer-predisposing syndrome. Also called: Neoplastic Syndromes, Hereditary; Tumor predisposition; Hereditary Cancer Syndrome; Hereditary neoplastic syndrome. Identifiers: Orphanet 140162, MedGen C0027672, MeSH D009386, MONDO:0015356.

Submission:

Ambry Genetics
Classification: Uncertain significance for Hereditary cancer-predisposing syndrome. Last evaluated: 2024-10-14. Review status: criteria provided, single submitter. Criteria: Ambry Variant Classification Scheme 2023. Collection method: clinical testing. Allele origin: germline.
Comment: The p.Q762H variant (also known as c.2286G>C), located in coding exon 22 of the RB1 gene, results from a G to C substitution at nucleotide position 2286. The glutamine at codon 762 is replaced by histidine, an amino acid with highly similar properties. This amino acid position is conserved. In addition, this alteration is predicted to be deleterious by in silico analysis. Based on the available evidence, the clinical significance of this variant remains unclear.